The following is an entry in ClinVar:

ClinVar aggregate classification (germline): Conflicting classifications of pathogenicity. Review status: criteria provided, conflicting classifications (1 of 4 stars). 5 submissions from 5 submitters: Uncertain significance (3); Likely benign (1). 1 of the submissions does not count toward it. Last evaluated 2025-09-24.

Conditions:
VPS13B-related disorder. Also called: VPS13B-related condition.
Cohen syndrome (COH1). Also called: Cutis verticis gyrata, retinitis pigmentosa, and sensorineural deafness; PEPPER SYNDROME. Identifiers: Orphanet 193, MedGen C0265223, MONDO:0008999, OMIM 216550.

Allele frequency attached by ClinVar (database versions not stated): gnomAD below 0.00001 and 0.00001; TOPMed below 0.00001; ExAC 0.00002; gnomAD exomes 0.00002 and 0.00004.
gnomAD v4.1: 34 of 1,613,618 alleles (0.0021%); highest among the groups gnomAD compares: South Asian, 0.034%; 1 homozygote.

Submissions (5):

PreventionGenetics, part of Exact Sciences
Classification: Uncertain significance for VPS13B-related condition. Last evaluated: 2025-09-24. Review status: criteria provided, single submitter. Criteria: ACMG Guidelines, 2015. Collection method: clinical testing. Allele origin: germline.
Comment: The VPS13B c.874T>G variant is predicted to result in the amino acid substitution p.Phe292Val. To our knowledge, this variant has not been reported in the literature. This variant is reported in 0.029% of alleles in individuals of South Asian descent in gnomAD, including one homozygote. At this time, the clinical significance of this variant is uncertain due to the absence of conclusive functional and genetic evidence.

Labcorp Genetics (formerly Invitae), Labcorp
Classification: Likely benign for Cohen syndrome. Last evaluated: 2025-07-07. Review status: criteria provided, single submitter. Criteria: Invitae Variant Classification Sherloc (09022015). Collection method: clinical testing. Allele origin: germline.

Blueprint Genetics
Classification: Uncertain significance. Last evaluated: 2024-04-08. Review status: criteria provided, single submitter. Criteria: ACMG Guidelines, 2015. Collection method: clinical testing. Allele origin: germline.

Department of Pathology and Laboratory Medicine, Sinai Health System
Classification: Uncertain significance for Cohen syndrome. Last evaluated: 2022-07-04. Review status: criteria provided, single submitter. Criteria: ACMG Guidelines, 2015. Collection method: research. Allele origin: germline.

Natera, Inc.
Classification: Uncertain significance for Cohen syndrome. Last evaluated: 2020-02-26. Review status: no assertion criteria provided. Collection method: clinical testing. Allele origin: germline. Not counted in ClinVar's aggregate classification.

NM_152564.5(VPS13B):c.874T>G (p.Phe292Val)

Gene: VPS13B (vacuolar protein sorting 13 homolog B; plus strand). Cytogenetic location: 8q22.2.
Variant type: single nucleotide variant.
Coding change: c.874T>G on transcript NM_152564.5 (MANE Select); coding-DNA position 874, T replaced by G.
Protein change: p.Phe292Val; replaces phenylalanine 292 with valine.
Molecular consequence: missense variant. On other transcripts: non-coding transcript variant (1).
Genome position (GRCh38, 1-based): chr8:99,115,811, T>G. VCF-style: chr8-99115811-T-G. GRCh37 (hg19) VCF-style: chr8-100128039-T-G.
Other names: c.874T>G, p.Phe292Val (NM_181661.3, NM_015243.3, NM_017890.5); c.874T>G (NM_152564.4); short protein forms F292V.
Identifiers: ClinVar variation 1035854 (VCV001035854.14), dbSNP rs779095081, ClinGen allele CA4822493.